The following is an entry in ClinVar:

ClinVar aggregate classification (germline): Uncertain significance (1 of 4 stars; one submission).

Conditions:
2-aminoadipic 2-oxoadipic aciduria (AAKAD). Also called: Aminoadipic aciduria; ALPHA-AMINOADIPIC AND ALPHA-KETOADIPIC ACIDURIA. Identifiers: Orphanet 79154, MedGen C1859817, MONDO:0008774, OMIM 204750.

gnomAD v4.1: 1 of 1,614,136 alleles (0.000062%); highest among the groups gnomAD compares: East Asian, 0.0022%; no homozygotes.

Submission:

Labcorp Genetics (formerly Invitae), Labcorp
Classification: Uncertain significance for 2-aminoadipic 2-oxoadipic aciduria. Last evaluated: 2021-07-28. Review status: criteria provided, single submitter. Criteria: Invitae Variant Classification Sherloc (09022015). Collection method: clinical testing. Allele origin: germline.
Comment: In summary, the available evidence is currently insufficient to determine the role of this variant in disease. Therefore, it has been classified as a Variant of Uncertain Significance. Algorithms developed to predict the effect of missense changes on protein structure and function (SIFT, PolyPhen-2, Align-GVGD) all suggest that this variant is likely to be tolerated. This variant has not been reported in the literature in individuals affected with DHTKD1-related conditions. This variant is not present in population databases (ExAC no frequency). This sequence change replaces alanine with threonine at codon 468 of the DHTKD1 protein (p.Ala468Thr). The alanine residue is moderately conserved and there is a small physicochemical difference between alanine and threonine.

NM_018706.7(DHTKD1):c.1402G>A (p.Ala468Thr)

Gene: DHTKD1 (dehydrogenase E1 and transketolase domain containing 1; plus strand). Cytogenetic location: 10p14.
Variant type: single nucleotide variant.
Coding change: c.1402G>A on transcript NM_018706.7 (MANE Select); coding-DNA position 1402, G replaced by A.
Protein change: p.Ala468Thr; replaces alanine 468 with threonine.
Molecular consequence: missense variant.
Genome position (GRCh38, 1-based): chr10:12,097,727, G>A. VCF-style: chr10-12097727-G-A. GRCh37 (hg19) VCF-style: chr10-12139726-G-A.
Other names: short protein forms A468T.
Identifiers: ClinVar variation 1508559 (VCV001508559.6), dbSNP rs756190281, ClinGen allele CA376020607.